The following is an entry in ClinVar:

ClinVar aggregate classification (germline): Uncertain significance. Review status: criteria provided, multiple submitters, no conflicts (2 of 4 stars). 2 submissions from 2 submitters: Uncertain significance (2). Last evaluated 2025-04-21.

Conditions:
Hereditary cancer-predisposing syndrome. Also called: Neoplastic Syndromes, Hereditary; Hereditary Cancer Syndrome; Tumor predisposition; Hereditary neoplastic syndrome. Identifiers: Orphanet 140162, MedGen C0027672, MeSH D009386, MONDO:0015356.
Parathyroid carcinoma (PRTC). Also called: CDC73-Related Parathyroid Carcinoma; Parathyroid gland carcinoma. Identifiers: Orphanet 143, MedGen C0687150, MONDO:0012004, OMIM 608266, HP:0006780.

Allele frequency attached by ClinVar (database versions not stated): gnomAD exomes below 0.00001.
gnomAD v4.1: 1 of 1,614,180 alleles (0.000062%); highest among the groups gnomAD compares: East Asian, 0.0022%; no homozygotes.

Submissions (2):

Labcorp Genetics (formerly Invitae), Labcorp
Classification: Uncertain significance for Parathyroid carcinoma. Last evaluated: 2025-04-21. Review status: criteria provided, single submitter. Criteria: Invitae Variant Classification Sherloc (09022015). Collection method: clinical testing. Allele origin: germline.
Comment: This sequence change replaces valine, which is neutral and non-polar, with methionine, which is neutral and non-polar, at codon 19 of the CDC73 protein (p.Val19Met). This variant is not present in population databases (gnomAD no frequency). This variant has not been reported in the literature in individuals affected with CDC73-related conditions. ClinVar contains an entry for this variant (Variation ID: 403884). Invitae Evidence Modeling of protein sequence and biophysical properties (such as structural, functional, and spatial information, amino acid conservation, physicochemical variation, residue mobility, and thermodynamic stability) indicates that this missense variant is not expected to disrupt CDC73 protein function with a negative predictive value of 80%. In summary, the available evidence is currently insufficient to determine the role of this variant in disease. Therefore, it has been classified as a Variant of Uncertain Significance.

Ambry Genetics
Classification: Uncertain significance for Hereditary cancer-predisposing syndrome. Last evaluated: 2024-07-11. Review status: criteria provided, single submitter. Criteria: Ambry Variant Classification Scheme 2023. Collection method: clinical testing. Allele origin: germline.
Comment: The p.V19M variant (also known as c.55G>A), located in coding exon 1 of the CDC73 gene, results from a G to A substitution at nucleotide position 55. The valine at codon 19 is replaced by methionine, an amino acid with highly similar properties. This amino acid position is conserved. In addition, the in silico prediction for this alteration is inconclusive. Based on the available evidence, the clinical significance of this variant remains unclear.

NM_024529.5(CDC73):c.55G>A (p.Val19Met)

Gene: CDC73 (cell division cycle 73; plus strand). Cytogenetic location: 1q31.2.
Variant type: single nucleotide variant.
Coding change: c.55G>A on transcript NM_024529.5 (MANE Select); coding-DNA position 55, G replaced by A.
Protein change: p.Val19Met; replaces valine 19 with methionine.
Molecular consequence: missense variant.
Genome position (GRCh38, 1-based): chr1:193,122,255, G>A. VCF-style: chr1-193122255-G-A. GRCh37 (hg19) VCF-style: chr1-193091385-G-A.
Other names: short protein forms V19M.
Identifiers: ClinVar variation 403884 (VCV000403884.10), dbSNP rs1060500013, ClinGen allele CA16609961.